The following is an entry in ClinVar:

NM_001844.5(COL2A1):c.1435del (p.Gln479fs)

Gene: COL2A1 (collagen type II alpha 1 chain; minus strand). Cytogenetic location: 12q13.11.
Variant type: Deletion.
Coding change: c.1435del on transcript NM_001844.5 (MANE Select); coding-DNA position 1435, one base deleted (C; older notation c.1435delC).
Protein change: p.Gln479fs; shifts the reading frame from glutamine 479.
Molecular consequence: frameshift variant.
Genome position (GRCh38, 1-based): chr12:47,986,428, G deleted on the plus strand (C on the coding strand, the reverse complement: COL2A1 is on the minus strand); the first of 5 consecutive G bases (chr12:47,986,428-47,986,432); deleting any one gives the same sequence. VCF-style (leftmost placement, unchanged base first): chr12-47986427-TG-T. GRCh37 (hg19) VCF-style: chr12-48380210-TG-T.
Other names: c.1228del, p.Gln410fs (NM_033150.3); short protein forms Q410fs, Q479fs.
Identifiers: ClinVar variation 1382574 (VCV001382574.6), dbSNP rs2136571492, ClinGen allele CA479472006.

ClinVar aggregate classification (germline): Pathogenic (1 of 4 stars; one submission).

Submission:

Labcorp Genetics (formerly Invitae), Labcorp
Classification: Pathogenic. Last evaluated: 2021-12-24. Review status: criteria provided, single submitter. Criteria: Invitae Variant Classification Sherloc (09022015). Collection method: clinical testing. Allele origin: germline.
Comment: This premature translational stop signal has been observed in individual(s) with clinical features of Stickler syndrome (PMID: 31736238). This variant is not present in population databases (gnomAD no frequency). This variant is also known as c.1435delG. This sequence change creates a premature translational stop signal (p.Gln479Argfs*150) in the COL2A1 gene. It is expected to result in an absent or disrupted protein product. Loss-of-function variants in COL2A1 are known to be pathogenic (PMID: 20179744). For these reasons, this variant has been classified as Pathogenic.

Literature cited by the submitters: PubMed 31736238; PubMed 20179744.